The following is an entry in ClinVar:

ClinVar aggregate classification (germline): Uncertain significance (1 of 4 stars; one submission).

Conditions:
Charcot-Marie-Tooth disease type 2. Also called: Charcot-Marie-Tooth type 2. Identifiers: Orphanet 64746, MedGen C0270914, MONDO:0018993.

Submission:

Labcorp Genetics (formerly Invitae), Labcorp
Classification: Uncertain significance for Charcot-Marie-Tooth disease type 2. Last evaluated: 2022-12-23. Review status: criteria provided, single submitter. Criteria: Invitae Variant Classification Sherloc (09022015). Collection method: clinical testing. Allele origin: germline.
Comment: This sequence change replaces threonine, which is neutral and polar, with asparagine, which is neutral and polar, at codon 4 of the AARS protein (p.Thr4Asn). This variant is not present in population databases (gnomAD no frequency). This variant has not been reported in the literature in individuals affected with AARS-related conditions. Algorithms developed to predict the effect of missense changes on protein structure and function (SIFT, PolyPhen-2, Align-GVGD) all suggest that this variant is likely to be tolerated. In summary, the available evidence is currently insufficient to determine the role of this variant in disease. Therefore, it has been classified as a Variant of Uncertain Significance.

NM_001605.3(AARS1):c.11C>A (p.Thr4Asn)

Gene: AARS1 (alanyl-tRNA synthetase 1; minus strand). Cytogenetic location: 16q22.1.
Variant type: single nucleotide variant.
Coding change: c.11C>A on transcript NM_001605.3 (MANE Select); coding-DNA position 11, C replaced by A.
Protein change: p.Thr4Asn; replaces threonine 4 with asparagine.
Molecular consequence: missense variant.
Genome position (GRCh38, 1-based): chr16:70,282,753, G>T on the plus strand (C>A on the coding strand, the complement: AARS1 is on the minus strand). VCF-style: chr16-70282753-G-T. GRCh37 (hg19) VCF-style: chr16-70316656-G-T.
Other names: short protein forms T4N.
Identifiers: ClinVar variation 2823592 (VCV002823592.3), dbSNP rs1335517508, ClinGen allele CA396570759.